The following is an entry in ClinVar:

NM_003265.3(TLR3):c.1679G>A (p.Gly560Asp)

Gene: TLR3 (toll like receptor 3; plus strand). Cytogenetic location: 4q35.1.
Variant type: single nucleotide variant.
Coding change: c.1679G>A on transcript NM_003265.3 (MANE Select); coding-DNA position 1679, G replaced by A.
Protein change: p.Gly560Asp; replaces glycine 560 with aspartic acid.
Molecular consequence: missense variant.
Genome position (GRCh38, 1-based): chr4:186,083,365, G>A. VCF-style: chr4-186083365-G-A. GRCh37 (hg19) VCF-style: chr4-187004519-G-A.
Other names: short protein forms G560D.
Identifiers: ClinVar variation 3699436 (VCV003699436.2).
Genomic context (GRCh38, chr4:186,083,365, plus strand): 5'-ACAACTTAGCACGGCTCTGGAAACACGCAAACCCTGGTGGTCCCATTTATTTCCTAAAGG[G>A]TCTGTCTCACCTCCACATCCTTAACTTGGAGTCCAACGGCTTTGACGAGATCCCAGTTGA-3'
Protein context (NP_003256.1, residues 550-570): NPGGPIYFLK[Gly560Asp]LSHLHILNLE

ClinVar aggregate classification (germline): Uncertain significance (1 of 4 stars; one submission).

Conditions:
Encephalopathy, acute, infection-induced (herpes-specific), susceptibility to, 1. Also called: Herpes simplex encephalitis, susceptibility to, 1. Identifiers: Orphanet 1930, MedGen C2750180, MONDO:0024563, OMIM 610551.

gnomAD v4.1: 2 of 1,614,138 alleles (0.00012%); highest among the groups gnomAD compares: African/African-American, 0.0013%; no homozygotes.

Submission:

Labcorp Genetics (formerly Invitae), Labcorp
Classification: Uncertain significance for Encephalopathy, acute, infection-induced (herpes-specific), susceptibility to, 1. Last evaluated: 2024-08-13. Review status: criteria provided, single submitter. Criteria: Invitae Variant Classification Sherloc (09022015). Collection method: clinical testing. Allele origin: germline.
Comment: This sequence change replaces glycine, which is neutral and non-polar, with aspartic acid, which is acidic and polar, at codon 560 of the TLR3 protein (p.Gly560Asp). This variant is not present in population databases (gnomAD no frequency). This variant has not been reported in the literature in individuals affected with TLR3-related conditions. An algorithm developed to predict the effect of missense changes on protein structure and function (PolyPhen-2) suggests that this variant is likely to be tolerated. In summary, the available evidence is currently insufficient to determine the role of this variant in disease. Therefore, it has been classified as a Variant of Uncertain Significance.